The following is an entry in ClinVar:

ClinVar aggregate classification (germline): Uncertain significance (1 of 4 stars; one submission).

Conditions:
Dyskeratosis congenita. Identifiers: Orphanet 1775, MedGen C0265965, MONDO:0015780.

gnomAD v4.1: 9 of 1,610,992 alleles (0.00056%); highest among the groups gnomAD compares: Non-Finnish European, 0.00076%; no homozygotes.

Submission:

Labcorp Genetics (formerly Invitae), Labcorp
Classification: Uncertain significance for Dyskeratosis congenita. Last evaluated: 2024-10-28. Review status: criteria provided, single submitter. Criteria: Invitae Variant Classification Sherloc (09022015). Collection method: clinical testing. Allele origin: germline.
Comment: This sequence change replaces valine, which is neutral and non-polar, with phenylalanine, which is neutral and non-polar, at codon 976 of the CTC1 protein (p.Val976Phe). The frequency data for this variant in the population databases is considered unreliable, as metrics indicate poor data quality at this position in the gnomAD database. This missense change has been observed in individual(s) with clinical features of CTC1-related conditions (PMID: 30393977). Invitae Evidence Modeling of protein sequence and biophysical properties (such as structural, functional, and spatial information, amino acid conservation, physicochemical variation, residue mobility, and thermodynamic stability) indicates that this missense variant is expected to disrupt CTC1 protein function with a positive predictive value of 80%. In summary, the available evidence is currently insufficient to determine the role of this variant in disease. Therefore, it has been classified as a Variant of Uncertain Significance.

Literature cited by the submitters: PubMed 30393977.

NM_025099.6(CTC1):c.2926G>T (p.Val976Phe)

Gene: CTC1 (CST telomere replication complex component 1; minus strand). Cytogenetic location: 17p13.1.
Variant type: single nucleotide variant.
Coding change: c.2926G>T on transcript NM_025099.6 (MANE Select); coding-DNA position 2926, G replaced by T.
Protein change: p.Val976Phe; replaces valine 976 with phenylalanine.
Molecular consequence: missense variant. On other transcripts: non-coding transcript variant (1).
Genome position (GRCh38, 1-based): chr17:8,230,301, C>A on the plus strand (G>T on the coding strand, the complement: CTC1 is on the minus strand). VCF-style: chr17-8230301-C-A. GRCh37 (hg19) VCF-style: chr17-8133619-C-A.
Other names: c.2926G>T, p.Val976Phe (NM_001411067.1); short protein forms V976F.
Identifiers: ClinVar variation 3636386 (VCV003636386.2).